The following is an entry in ClinVar:

ClinVar aggregate classification (germline): Uncertain significance (1 of 4 stars; one submission).

Submission:

GeneDx
Classification: Uncertain significance. Last evaluated: 2026-04-23. Review status: criteria provided, single submitter. Criteria: GeneDx Variant Classification Process June 2021. Collection method: clinical testing. Allele origin: germline.
Comment: Has not been previously published as pathogenic or benign to our knowledge; Reported using an alternate transcript of the gene; Frameshift variant predicted to result in protein truncation or nonsense mediated decay in a gene for which loss of function is not an established mechanism of disease

NM_001367943.1(TCF7L2):c.552+49327del

Gene: TCF7L2 (transcription factor 7 like 2; plus strand). Cytogenetic location: 10q25.2.
Variant type: Deletion.
Coding change: c.552+49327del on transcript NM_001367943.1 (MANE Select); 49327 bases into the intron after coding-DNA position 552, one base deleted (C; older notation c.552+49327delC).
Molecular consequence: intron variant. On other transcripts: frameshift variant (1).
Genome position (GRCh38, 1-based): chr10:113,089,453, C deleted; the last of 7 consecutive C bases (chr10:113,089,447-113,089,453); deleting any one gives the same sequence. VCF-style (leftmost placement, unchanged base first): chr10-113089446-AC-A. GRCh37 (hg19) VCF-style: chr10-114849205-AC-A.
Other names: c.537del, p.Ser180fs (NM_001146283.2); c.552+49327del (NM_001363501.2, NM_001146274.2, NM_001198531.2); c.483+49327del (NM_001198525.2, NM_001198528.2, NM_030756.5 and 6 more transcripts); c.382-51731del (NM_001198530.2); short protein forms S180fs.
Identifiers: ClinVar variation 5037440 (VCV005037440.1).